The following is an entry in ClinVar:

ClinVar aggregate classification (germline): Likely pathogenic (1 of 4 stars; one submission).

Conditions:
Myofibrillar myopathy 5. Also called: Filaminopathy (type); FILAMINOPATHY, AUTOSOMAL DOMINANT. Identifiers: Orphanet 171445, MedGen C1836050, MONDO:0012289, OMIM 609524.
Distal myopathy with posterior leg and anterior hand involvement. Also called: WILLIAMS DISTAL MYOPATHY. Identifiers: Orphanet 63273, MedGen C3279722, MONDO:0013550, OMIM 614065.
Hypertrophic cardiomyopathy 26. Also called: Cardiomyopathy, familial hypertrophic, 26. Identifiers: Orphanet 75249, MedGen C4310749, MONDO:0014883, OMIM 617047.

Submission:

Labcorp Genetics (formerly Invitae), Labcorp
Classification: Likely pathogenic for Distal myopathy with posterior leg and anterior hand involvement; Myofibrillar myopathy 5; Hypertrophic cardiomyopathy 26. Last evaluated: 2020-03-14. Review status: criteria provided, single submitter. Criteria: Invitae Variant Classification Sherloc (09022015). Collection method: clinical testing. Allele origin: germline.
Comment: In summary, the currently available evidence indicates that the variant is pathogenic, but additional data are needed to prove that conclusively. Therefore, this variant has been classified as Likely Pathogenic. Donor and acceptor splice site variants typically lead to a loss of protein function (PMID: 16199547), and loss-of-function variants in FLNC are known to be pathogenic (PMID: 27908349). Algorithms developed to predict the effect of sequence changes on RNA splicing suggest that this variant may disrupt the consensus splice site, but this prediction has not been confirmed by published transcriptional studies. This variant has not been reported in the literature in individuals with FLNC-related conditions. This variant is not present in population databases (ExAC no frequency). This sequence change affects a donor splice site in intron 35 of the FLNC gene. It is expected to disrupt RNA splicing and likely results in an absent or disrupted protein product.

Literature cited by the submitters: PubMed 16199547; PubMed 27908349.

NM_001458.5(FLNC):c.5842+2T>G

Genes: FLNC-AS1 (FLNC antisense RNA 1; minus strand), FLNC (filamin C; plus strand). Cytogenetic location: 7q32.1.
Variant type: single nucleotide variant.
Coding change: c.5842+2T>G on transcript NM_001458.5 (MANE Select); the canonical splice donor site of the intron after coding-DNA position 5842, T replaced by G.
Molecular consequence: splice donor variant.
Genome position (GRCh38, 1-based): chr7:128,851,630, T>G. VCF-style: chr7-128851630-T-G. GRCh37 (hg19) VCF-style: chr7-128491684-T-G.
Other names: c.5743+2T>G (NM_001127487.2).
Identifiers: ClinVar variation 1067984 (VCV001067984.7), dbSNP rs2128938503, ClinGen allele CA369208696.